The following is an entry in ClinVar:

NM_001854.4(COL11A1):c.4214G>A (p.Gly1405Asp)

Gene: COL11A1 (collagen type XI alpha 1 chain; minus strand). Cytogenetic location: 1p21.1.
Variant type: single nucleotide variant.
Coding change: c.4214G>A on transcript NM_001854.4 (MANE Select); coding-DNA position 4214, G replaced by A.
Protein change: p.Gly1405Asp; replaces glycine 1405 with aspartic acid.
Molecular consequence: missense variant. On other transcripts: non-coding transcript variant (1).
Genome position (GRCh38, 1-based): chr1:102,898,700, C>T on the plus strand (G>A on the coding strand, the complement: COL11A1 is on the minus strand). VCF-style: chr1-102898700-C-T. GRCh37 (hg19) VCF-style: chr1-103364256-C-T.
Other names: c.4097G>A, p.Gly1366Asp (NM_001190709.2); c.4250G>A, p.Gly1417Asp (NM_080629.3); c.3866G>A, p.Gly1289Asp (NM_080630.4); short protein forms G1289D, G1366D, G1405D, G1417D.
Identifiers: ClinVar variation 1312688 (VCV001312688.2), dbSNP rs1652764880, ClinGen allele CA341155310.
Genomic context (GRCh38, chr1:102,898,700, plus strand): 5'-GGCATCTTTTTAACACAGATGCTCACCACAGGACCAGGGATGCCCCGAAGACCTTCTGGA[C>T]CAGGCTTTCCTGCAGGTCCCTGAGGACCGACTGGGCCGGTTTTTCCAGGAGGACCTTCTG-3'
Protein context (NP_001845.3, residues 1395-1415): VGPQGPAGKP[Gly1405Asp]PEGLRGIPGP

ClinVar aggregate classification (germline): Uncertain significance (1 of 4 stars; one submission).

Submission:

GeneDx
Classification: Uncertain significance. Last evaluated: 2020-06-24. Review status: criteria provided, single submitter. Criteria: GeneDx Variant Classification Process June 2021. Collection method: clinical testing. Allele origin: germline. Affected: yes.
Comment: Not observed in large population cohorts (Lek et al., 2016); In silico analysis supports that this missense variant has a deleterious effect on protein structure/function; Has not been previously published as pathogenic or benign to our knowledge